The following is an entry in ClinVar:

ClinVar aggregate classification (germline): Likely benign. Review status: criteria provided, multiple submitters, no conflicts (2 of 4 stars). 3 submissions from 3 submitters: Likely benign (3). Last evaluated 2025-04-13.

Conditions:
Cardiovascular phenotype. Identifiers: MedGen CN230736.
Dilated cardiomyopathy 1G (CMD1G). Identifiers: Orphanet 154, MedGen C1858763, MONDO:0011400, OMIM 604145.
Autosomal recessive limb-girdle muscular dystrophy type 2J (LGMDR10). Also called: Limb-girdle muscular dystrophy, type 2J; MUSCULAR DYSTROPHY, LIMB-GIRDLE, AUTOSOMAL RECESSIVE 10. Identifiers: Orphanet 140922, MedGen C1837342, MONDO:0012127, OMIM 608807.

Allele frequency attached by ClinVar (database versions not stated): gnomAD exomes below 0.00001; TOPMed below 0.00001.
gnomAD v4.1: 6 of 1,614,082 alleles (0.00037%); highest among the groups gnomAD compares: Middle Eastern, 0.016%; no homozygotes.

Submissions (3):

Ambry Genetics
Classification: Likely benign for Cardiovascular phenotype. Last evaluated: 2025-04-13. Review status: criteria provided, single submitter. Criteria: Ambry Variant Classification Scheme 2023. Collection method: clinical testing. Allele origin: germline.

Labcorp Genetics (formerly Invitae), Labcorp
Classification: Likely benign for Dilated cardiomyopathy 1G; Autosomal recessive limb-girdle muscular dystrophy type 2J. Last evaluated: 2024-04-04. Review status: criteria provided, single submitter. Criteria: Invitae Variant Classification Sherloc (09022015). Collection method: clinical testing. Allele origin: germline.

GeneDx
Classification: Likely benign. Last evaluated: 2017-06-20. Review status: criteria provided, single submitter. Criteria: GeneDx Variant Classification (06012015). Collection method: clinical testing. Allele origin: germline. Affected: yes.
Comment: This variant is considered likely benign or benign based on one or more of the following criteria: it is a conservative change, it occurs at a poorly conserved position in the protein, it is predicted to be benign by multiple in silico algorithms, and/or has population frequency not consistent with disease.

NM_001267550.2(TTN):c.9213G>A (p.Glu3071=)

Gene: TTN (titin; minus strand). Cytogenetic location: 2q31.2.
Variant type: single nucleotide variant.
Coding change: c.9213G>A on transcript NM_001267550.2 (MANE Select); coding-DNA position 9213, G replaced by A.
Protein change: p.Glu3071=; no amino-acid change (glutamic acid 3071 retained).
Molecular consequence: synonymous variant.
Genome position (GRCh38, 1-based): chr2:178,768,106, C>T on the plus strand (G>A on the coding strand, the complement: TTN is on the minus strand). VCF-style: chr2-178768106-C-T. GRCh37 (hg19) VCF-style: chr2-179632833-C-T.
Other names: c.9213G>A, p.Glu3071= (NM_001256850.1, NM_133378.4, NM_133379.5); c.9075G>A, p.Glu3025= (NM_003319.4, NM_133432.3, NM_133437.4).
Identifiers: ClinVar variation 510501 (VCV000510501.13), dbSNP rs779657872, ClinGen allele CA61001720.